The following is an entry in ClinVar:

ClinVar aggregate classification (germline): Uncertain significance (1 of 4 stars; one submission).

Conditions:
Hereditary cancer-predisposing syndrome. Also called: Neoplastic Syndromes, Hereditary; Tumor predisposition; Hereditary neoplastic syndrome; Hereditary Cancer Syndrome. Identifiers: Orphanet 140162, MedGen C0027672, MeSH D009386, MONDO:0015356.

Submission:

Ambry Genetics
Classification: Uncertain significance for Hereditary cancer-predisposing syndrome. Last evaluated: 2023-02-17. Review status: criteria provided, single submitter. Criteria: Ambry Variant Classification Scheme 2023. Collection method: clinical testing. Allele origin: germline.
Comment: The p.E1544D variant (also known as c.4632A>C), located in coding exon 15 of the APC gene, results from an A to C substitution at nucleotide position 4632. The glutamic acid at codon 1544 is replaced by aspartic acid, an amino acid with highly similar properties. This amino acid position is conserved. In addition, in silico predictors for this gene do not accurately predict pathogenicity. Since supporting evidence is limited at this time, the clinical significance of this alteration remains unclear.

NM_000038.6(APC):c.4632A>C (p.Glu1544Asp)

Gene: APC (APC regulator of Wnt signaling pathway; plus strand). Cytogenetic location: 5q22.2.
Variant type: single nucleotide variant.
Coding change: c.4632A>C on transcript NM_000038.6 (MANE Select); coding-DNA position 4632, A replaced by C.
Protein change: p.Glu1544Asp; replaces glutamic acid 1544 with aspartic acid.
Molecular consequence: missense variant. On other transcripts: non-coding transcript variant (2).
Genome position (GRCh38, 1-based): chr5:112,840,226, A>C. VCF-style: chr5-112840226-A-C. GRCh37 (hg19) VCF-style: chr5-112175923-A-C.
Other names: c.4383A>C, p.Glu1461Asp (NM_001407456.1, NM_001407457.1, NM_001407454.1 and 1 more transcripts); c.4329A>C, p.Glu1443Asp (NM_001407458.1, NM_001407459.1, NM_001407460.1 and 1 more transcripts); c.4245A>C, p.Glu1415Asp (NM_001407469.1, NM_001407467.1); c.3783A>C, p.Glu1261Asp (NM_001407470.1, NM_001354906.2); c.4632A>C, p.Glu1544Asp (NM_001127510.3, NM_001354895.2, NM_001407450.1); c.4578A>C, p.Glu1526Asp (NM_001127511.3); c.4686A>C, p.Glu1562Asp (NM_001354896.2, NM_001407447.1, NM_001407448.1 and 1 more transcripts); c.4662A>C, p.Glu1554Asp (NM_001354897.2); and 11 more; short protein forms E1384D, E1516D, E1537D, E1572D, E1526D, E1544D, E1160D, E1415D.
Identifiers: ClinVar variation 2452744 (VCV002452744.2), dbSNP rs2149919539, ClinGen allele CA16031480.